The following is an entry in ClinVar:

ClinVar aggregate classification (germline): Uncertain significance (1 of 4 stars; one submission).

Submission:

Institute for Human Genetics, University Hospital Essen
Classification: Uncertain significance. Last evaluated: 2025-11-27. Review status: criteria provided, single submitter. Criteria: Submitter's publication. Collection method: clinical testing. Allele origin: inherited. Inheritance: Autosomal unknown. Affected: yes. Observed: 1 variant allele, 1 compound heterozygote.
Comment: PM1, PM2_supp, PP1 (criteria rationale detailed in Leitão et al. Nature Genetics 2026)

NR_199791.1(RNU2-2):n.24A>G

Genes: RNU2-2 (RNA, U2 small nuclear 2; minus strand), WDR74 (WD repeat domain 74; minus strand). Cytogenetic location: 11q12.3.
Variant type: single nucleotide variant.
Molecular consequence: non-coding transcript variant (on NR_199791.1). On other transcripts: 5 prime UTR variant (1).
Genome position: GRCh38 VCF-style: chr11-62841786-T-C. GRCh37 (hg19) VCF-style: chr11-62609258-T-C.
Other names: c.-515A>G (NM_001369451.1).
Identifiers: ClinVar variation 4540465 (VCV004540465.1).
Genomic context (GRCh38, chr11:62,841,786, plus strand): 5'-GTCCTCGGATAGAGGACGTATCAGATATTAAACTGATAAGAACAGATACTACACTTGATC[T>C]TAGCCAAAAGGCCGAGAAGCGATACCTTTACTTCGGTCGCCTCGGCGGCCTTATCCTTCC-3'